The following is an entry in ClinVar:

NM_001972.4(ELANE):c.79G>A (p.Ala27Thr)

Gene: ELANE (elastase, neutrophil expressed; plus strand). Cytogenetic location: 19p13.3.
Variant type: single nucleotide variant.
Coding change: c.79G>A on transcript NM_001972.4 (MANE Select); coding-DNA position 79, G replaced by A.
Protein change: p.Ala27Thr; replaces alanine 27 with threonine.
Molecular consequence: missense variant.
Genome position (GRCh38, 1-based): chr19:852,887, G>A. VCF-style: chr19-852887-G-A. GRCh37 (hg19) VCF-style: chr19-852887-G-A.
Other names: short protein forms A27T.
Identifiers: ClinVar variation 3748674 (VCV003748674.3).

ClinVar aggregate classification (germline): Uncertain significance. Review status: criteria provided, multiple submitters, no conflicts (2 of 4 stars). 2 submissions from 2 submitters: Uncertain significance (2). Last evaluated 2025-12-29.

Conditions:
Neutropenia, severe congenital, 1, autosomal dominant. Identifiers: MedGen C1859966, MONDO:0042490, OMIM 202700.
Cyclical neutropenia. Also called: Cyclic hematopoiesis; Cyclic Neutropenia. Identifiers: Orphanet 2686, MedGen C0221023, MONDO:0008090, OMIM 162800, HP:0040289. Disease mechanism: loss of function.
Inborn genetic diseases. Identifiers: MedGen C0950123, MeSH D030342.

gnomAD v4.1: 1 of 1,596,104 alleles (0.000063%); highest among the groups gnomAD compares: Non-Finnish European, 0.000085%; no homozygotes.

Submissions (2):

Ambry Genetics
Classification: Uncertain significance for Inborn genetic diseases. Last evaluated: 2025-12-29. Review status: criteria provided, single submitter. Criteria: Ambry Variant Classification Scheme 2023. Collection method: clinical testing. Allele origin: germline.
Comment: The p.A27T variant (also known as c.79G>A), located in coding exon 2 of the ELANE gene, results from a G to A substitution at nucleotide position 79. The alanine at codon 27 is replaced by threonine, an amino acid with similar properties. This amino acid position is conserved. In addition, the in silico prediction for this alteration is inconclusive. Based on the available evidence, the clinical significance of this variant remains unclear.

Labcorp Genetics (formerly Invitae), Labcorp
Classification: Uncertain significance for Neutropenia, severe congenital, 1, autosomal dominant; Cyclical neutropenia. Last evaluated: 2024-08-17. Review status: criteria provided, single submitter. Criteria: Invitae Variant Classification Sherloc (09022015). Collection method: clinical testing. Allele origin: germline.
Comment: This sequence change replaces alanine, which is neutral and non-polar, with threonine, which is neutral and polar, at codon 27 of the ELANE protein (p.Ala27Thr). This variant is not present in population databases (gnomAD no frequency). This variant has not been reported in the literature in individuals affected with ELANE-related conditions. Invitae Evidence Modeling of protein sequence and biophysical properties (such as structural, functional, and spatial information, amino acid conservation, physicochemical variation, residue mobility, and thermodynamic stability) indicates that this missense variant is not expected to disrupt ELANE protein function with a negative predictive value of 80%. In summary, the available evidence is currently insufficient to determine the role of this variant in disease. Therefore, it has been classified as a Variant of Uncertain Significance.